The following is an entry in ClinVar:

ClinVar aggregate classification (germline): Uncertain significance (1 of 4 stars; one submission).

Conditions:
Dextro-looped transposition of the great arteries. Also called: Dextrotransposition of the great arteries. Identifiers: Orphanet 860, MedGen C3531771, MONDO:0019443, OMIM 608808, HP:0031348.

gnomAD v4.1: 2 of 1,614,176 alleles (0.00012%); highest among the groups gnomAD compares: East Asian, 0.0045%; no homozygotes.

Submission:

Labcorp Genetics (formerly Invitae), Labcorp
Classification: Uncertain significance for Dextro-looped transposition of the great arteries. Last evaluated: 2024-11-09. Review status: criteria provided, single submitter. Criteria: Invitae Variant Classification Sherloc (09022015). Collection method: clinical testing. Allele origin: germline.
Comment: This sequence change replaces asparagine, which is neutral and polar, with aspartic acid, which is acidic and polar, at codon 2108 of the MED13L protein (p.Asn2108Asp). This variant is present in population databases (rs768108181, gnomAD 0.01%). This variant has not been reported in the literature in individuals affected with MED13L-related conditions. Invitae Evidence Modeling of protein sequence and biophysical properties (such as structural, functional, and spatial information, amino acid conservation, physicochemical variation, residue mobility, and thermodynamic stability) indicates that this missense variant is not expected to disrupt MED13L protein function with a negative predictive value of 80%. In summary, the available evidence is currently insufficient to determine the role of this variant in disease. Therefore, it has been classified as a Variant of Uncertain Significance.

NM_015335.5(MED13L):c.6322A>G (p.Asn2108Asp)

Gene: MED13L (mediator complex subunit 13L; minus strand). Cytogenetic location: 12q24.21.
Variant type: single nucleotide variant.
Coding change: c.6322A>G on transcript NM_015335.5 (MANE Select); coding-DNA position 6322, A replaced by G.
Protein change: p.Asn2108Asp; replaces asparagine 2108 with aspartic acid.
Molecular consequence: missense variant.
Genome position (GRCh38, 1-based): chr12:115,966,147, T>C on the plus strand (A>G on the coding strand, the complement: MED13L is on the minus strand). VCF-style: chr12-115966147-T-C. GRCh37 (hg19) VCF-style: chr12-116403952-T-C.
Other names: short protein forms N2108D.
Identifiers: ClinVar variation 3698553 (VCV003698553.2).
Genomic context (GRCh38, chr12:115,966,147, plus strand): 5'-AGAAGAGAGGGCACTGGTTTTGAGCCTGGGGACACGATGACCAAAACCACTGGGGAAGAT[T>C]CTCAGCTTTGGCAGTTGATACAAAATACCCAAGGGCCAGGGGCTGCTGCTTTAGCTCCTC-3'
Protein context (NP_056150.1, residues 2098-2118): GYFVSTAKAE[Asn2108Asp]LPQWFWSSCP